The following is an entry in ClinVar:

NM_000136.3(FANCC):c.290T>C (p.Leu97Pro)

Gene: FANCC (FA complementation group C; minus strand). Cytogenetic location: 9q22.32.
Variant type: single nucleotide variant.
Coding change: c.290T>C on transcript NM_000136.3 (MANE Select); coding-DNA position 290, T replaced by C.
Protein change: p.Leu97Pro; replaces leucine 97 with proline.
Molecular consequence: missense variant.
Genome position (GRCh38, 1-based): chr9:95,240,704, A>G on the plus strand (T>C on the coding strand, the complement: FANCC is on the minus strand). VCF-style: chr9-95240704-A-G. GRCh37 (hg19) VCF-style: chr9-98002986-A-G.
Other names: c.290T>C, p.Leu97Pro (NM_001243743.2, NM_001243744.2); short protein forms L97P.
Identifiers: ClinVar variation 1426400 (VCV001426400.6), dbSNP rs1223097554, ClinGen allele CA374339374.

ClinVar aggregate classification (germline): Uncertain significance. Review status: criteria provided, multiple submitters, no conflicts (2 of 4 stars). 2 submissions from 2 submitters: Uncertain significance (2). Last evaluated 2025-05-01.

Conditions:
Hereditary cancer-predisposing syndrome. Also called: Tumor predisposition; Hereditary neoplastic syndrome; Neoplastic Syndromes, Hereditary; Hereditary Cancer Syndrome. Identifiers: Orphanet 140162, MedGen C0027672, MeSH D009386, MONDO:0015356.
Fanconi anemia (FA). Also called: Fanconi's anemia. Identifiers: Orphanet 84, MedGen C0015625, MeSH D005199, MONDO:0019391.

Allele frequency attached by ClinVar (database versions not stated): TOPMed below 0.00001; gnomAD 0.00001.
gnomAD v4.1: 1 of 1,613,232 alleles (0.000062%); highest among the groups gnomAD compares: East Asian, 0.0022%; no homozygotes.

Submissions (2):

Labcorp Genetics (formerly Invitae), Labcorp
Classification: Uncertain significance for Fanconi anemia. Last evaluated: 2025-05-01. Review status: criteria provided, single submitter. Criteria: Invitae Variant Classification Sherloc (09022015). Collection method: clinical testing. Allele origin: germline.
Comment: This sequence change replaces leucine, which is neutral and non-polar, with proline, which is neutral and non-polar, at codon 97 of the FANCC protein (p.Leu97Pro). This variant is not present in population databases (gnomAD no frequency). This variant has not been reported in the literature in individuals affected with FANCC-related conditions. ClinVar contains an entry for this variant (Variation ID: 1426400). Invitae Evidence Modeling of protein sequence and biophysical properties (such as structural, functional, and spatial information, amino acid conservation, physicochemical variation, residue mobility, and thermodynamic stability) indicates that this missense variant is expected to disrupt FANCC protein function with a positive predictive value of 80%. In summary, the available evidence is currently insufficient to determine the role of this variant in disease. Therefore, it has been classified as a Variant of Uncertain Significance.

Ambry Genetics
Classification: Uncertain significance for Hereditary cancer-predisposing syndrome. Last evaluated: 2023-10-19. Review status: criteria provided, single submitter. Criteria: Ambry Variant Classification Scheme 2023. Collection method: clinical testing. Allele origin: germline.
Comment: The p.L97P variant (also known as c.290T>C), located in coding exon 3 of the FANCC gene, results from a T to C substitution at nucleotide position 290. The leucine at codon 97 is replaced by proline, an amino acid with similar properties. This amino acid position is highly conserved in available vertebrate species. In addition, the in silico prediction for this alteration is deleterious. Since supporting evidence is limited at this time, the clinical significance of this alteration remains unclear.